The following is an entry in ClinVar:

NM_000520.6(HEXA):c.140A>G (p.Gln47Arg)

Gene: HEXA (hexosaminidase subunit alpha; minus strand). Cytogenetic location: 15q23.
Variant type: single nucleotide variant.
Coding change: c.140A>G on transcript NM_000520.6 (MANE Select); coding-DNA position 140, A replaced by G.
Protein change: p.Gln47Arg; replaces glutamine 47 with arginine.
Molecular consequence: missense variant. On other transcripts: non-coding transcript variant (1).
Genome position (GRCh38, 1-based): chr15:72,375,833, T>C on the plus strand (A>G on the coding strand, the complement: HEXA is on the minus strand). VCF-style: chr15-72375833-T-C. GRCh37 (hg19) VCF-style: chr15-72668174-T-C.
Other names: c.140A>G, p.Gln47Arg (NM_001318825.2); short protein forms Q47R.
Identifiers: ClinVar variation 1407202 (VCV001407202.5), dbSNP rs1015834087, ClinGen allele CA272631041.

ClinVar aggregate classification (germline): Uncertain significance (1 of 4 stars; one submission).

Conditions:
Tay-Sachs disease (TSD). Also called: HEXA DEFICIENCY; GM2 gangliosidosis, type 1; Hexosaminidase alpha-subunit deficiency (variant B); Sphingolipidosis, Tay-Sachs; Hexosaminidase A Deficiency; HEXA Disorders. Identifiers: Orphanet 845, MedGen C0039373, MONDO:0010100, OMIM 272800.

Allele frequency attached by ClinVar (database versions not stated): gnomAD exomes below 0.00001 and 0.00001; gnomAD 0.00001; TOPMed 0.00001.

Submission:

Labcorp Genetics (formerly Invitae), Labcorp
Classification: Uncertain significance for Tay-Sachs disease. Last evaluated: 2022-07-05. Review status: criteria provided, single submitter. Criteria: Invitae Variant Classification Sherloc (09022015). Collection method: clinical testing. Allele origin: germline.
Comment: This sequence change replaces glutamine, which is neutral and polar, with arginine, which is basic and polar, at codon 47 of the HEXA protein (p.Gln47Arg). This variant is present in population databases (no rsID available, gnomAD 0.009%). This variant has not been reported in the literature in individuals affected with HEXA-related conditions. ClinVar contains an entry for this variant (Variation ID: 1407202). Algorithms developed to predict the effect of missense changes on protein structure and function output the following: SIFT: "Tolerated"; PolyPhen-2: "Benign"; Align-GVGD: "Class C0". The arginine amino acid residue is found in multiple mammalian species, which suggests that this missense change does not adversely affect protein function. Algorithms developed to predict the effect of sequence changes on RNA splicing suggest that this variant may create or strengthen a splice site. In summary, the available evidence is currently insufficient to determine the role of this variant in disease. Therefore, it has been classified as a Variant of Uncertain Significance.